The following is an entry in ClinVar:

NM_007294.4(BRCA1):c.4364T>G (p.Leu1455Ter)

Gene: BRCA1 (BRCA1 DNA repair associated; minus strand). Cytogenetic location: 17q21.31.
Variant type: single nucleotide variant.
Coding change: c.4364T>G on transcript NM_007294.4 (MANE Select); coding-DNA position 4364, T replaced by G.
Protein change: p.Leu1455Ter; replaces leucine 1455 with a stop codon.
Molecular consequence: nonsense. On other transcripts: non-coding transcript variant (1).
Genome position (GRCh38, 1-based): chr17:43,076,608, A>C on the plus strand (T>G on the coding strand, the complement: BRCA1 is on the minus strand). VCF-style: chr17-43076608-A-C. GRCh37 (hg19) VCF-style: chr17-41228625-A-C.
Other names: 4483T>G; c.4151T>G, p.Leu1384Ter (NM_001407571.1, NM_001407895.1, NM_001407896.1 and 12 more transcripts); c.4430T>G, p.Leu1477Ter (NM_001407581.1, NM_001407582.1); c.4427T>G, p.Leu1476Ter (NM_001407583.1, NM_001407585.1, NM_001407587.1 and 1 more transcripts); c.4424T>G, p.Leu1475Ter (NM_001407590.1, NM_001407591.1); c.4364T>G, p.Leu1455Ter (NM_001407593.1, NM_001407594.1, NM_001407596.1 and 8 more transcripts); c.4361T>G, p.Leu1454Ter (NM_001407610.1, NM_001407611.1, NM_001407612.1 and 17 more transcripts); c.4358T>G, p.Leu1453Ter (NM_001407627.1, NM_001407628.1, NM_001407629.1 and 14 more transcripts); and 69 more; short protein forms L1455*, L1476*, L351*, L1408*, L1327*, L1366*, L1388*, L1414*.
Identifiers: ClinVar variation 266472 (VCV000266472.6), dbSNP rs886040227, ClinGen allele CA10589667.

ClinVar aggregate classification (germline): Pathogenic. Review status: reviewed by expert panel (3 of 4 stars). 2 submissions from 2 submitters: Pathogenic (1). 1 of the submissions does not count toward it. Last evaluated 2016-10-18.

Conditions:
Breast-ovarian cancer, familial, susceptibility to, 1 (BROVCA1). Also called: BRCA1 Hereditary Breast and Ovarian Cancer; OVARIAN CANCER, SUSCEPTIBILITY TO. Identifiers: Orphanet 145, MedGen C2676676, MONDO:0011450, OMIM 604370. Disease mechanism: loss of function.

Allele frequency attached by ClinVar (database versions not stated): gnomAD exomes below 0.00001.
gnomAD v4.1: 1 of 1,613,462 alleles (0.000062%); no homozygotes.

Submissions (2):

Evidence-based Network for the Interpretation of Germline Mutant Alleles (ENIGMA)
Classification: Pathogenic for Breast-ovarian cancer, familial, susceptibility to, 1. Last evaluated: 2016-10-18. Review status: reviewed by expert panel. Criteria: ENIGMA BRCA1/2 Classification Criteria (2015). Collection method: curation. Allele origin: germline.
Comment: Variant allele predicted to encode a truncated non-functional protein.

Consortium of Investigators of Modifiers of BRCA1/2 (CIMBA), c/o University of Cambridge
Classification: Pathogenic for Breast-ovarian cancer, familial, susceptibility to, 1. Last evaluated: 2015-10-02. Review status: criteria provided, single submitter. Criteria: CIMBA Mutation Classification guidelines May 2016. Collection method: clinical testing. Allele origin: germline. Not counted in ClinVar's aggregate classification.